The following is an entry in ClinVar:

ClinVar aggregate classification (germline): Conflicting classifications of pathogenicity. Review status: criteria provided, conflicting classifications (1 of 4 stars). 2 submissions from 2 submitters: Likely pathogenic (1); Uncertain significance (1). Last evaluated 2025-12-01.

Conditions:
Seizures, benign familial infantile, 3 (BFIS3). Also called: Familial neonatal seizures; CONVULSIONS, BENIGN FAMILIAL INFANTILE, 3. Identifiers: Orphanet 140927, Orphanet 306, MedGen C1843140, MONDO:0011904, OMIM 607745.
Developmental and epileptic encephalopathy, 11 (DEE11). Also called: Early infantile epileptic encephalopathy 11. Identifiers: Orphanet 1934, MedGen C3150987, MONDO:0013388, OMIM 613721.

Submissions (3):

CeGaT Center for Human Genetics Tuebingen
Classification: Likely pathogenic. Last evaluated: 2025-12-01. Review status: criteria provided, single submitter. Criteria: CeGaT Center For Human Genetics Tuebingen Variant Classification Criteria Version 2. Collection method: clinical testing. Allele origin: germline. Affected: yes. Observed: 2 variant alleles.
Comment: SCN2A: PM2, PP2, PP3, PS3:Supporting, PS4:Supporting

Labcorp Genetics (formerly Invitae), Labcorp
Classification: Uncertain significance for Seizures, benign familial infantile, 3; Developmental and epileptic encephalopathy, 11. Last evaluated: 2021-08-15. Review status: criteria provided, single submitter. Criteria: Invitae Variant Classification Sherloc (09022015). Collection method: clinical testing. Allele origin: germline.
Comment: In summary, the available evidence is currently insufficient to determine the role of this variant in disease. Therefore, it has been classified as a Variant of Uncertain Significance. Algorithms developed to predict the effect of missense changes on protein structure and function are either unavailable or do not agree on the potential impact of this missense change (SIFT: "Deleterious"; PolyPhen-2: "Benign"; Align-GVGD: "Class C0"). This variant has not been reported in the literature in individuals affected with SCN2A-related conditions. This variant is not present in population databases (ExAC no frequency). This sequence change replaces tyrosine with phenylalanine at codon 816 of the SCN2A protein (p.Tyr816Phe). The tyrosine residue is highly conserved and there is a small physicochemical difference between tyrosine and phenylalanine.

Channelopathy-Associated Epilepsy Research Center
No classification provided (evidence only). Condition: Complex neurodevelopmental disorder. Review status: no classification provided. Collection method: literature only. Allele origin: not applicable. Functional consequence: Normal peak current, Normal voltage dependence of activation, Increase in slope of activation, Mild hyperpolarizing shift of voltage dependence of fast inactivation, Increase in slope of fast inactivation, Mild-moderate slowing of recovery from fast inactivation, Normal recovery from slow inactivation, Normal fast inactivation, Normal ramp current, Normal persistent current. Not counted in ClinVar's aggregate classification.
ClinVar note: "not provided" was previously submitted as the classification for the variant. However, the classification appeared to be based only on an observation of functional data so it was converted to no classification on 2025-07-30.

Literature cited by the submitters: PubMed 37578743 (cited by Channelopathy-Associated Epilepsy Research Center).

NM_001040142.2(SCN2A):c.2447A>T (p.Tyr816Phe)

Gene: SCN2A (sodium voltage-gated channel alpha subunit 2; plus strand). Cytogenetic location: 2q24.3.
Variant type: single nucleotide variant.
Coding change: c.2447A>T on transcript NM_001040142.2 (MANE Select); coding-DNA position 2447, A replaced by T.
Protein change: p.Tyr816Phe; replaces tyrosine 816 with phenylalanine.
Molecular consequence: missense variant.
Genome position (GRCh38, 1-based): chr2:165,342,354, A>T. VCF-style: chr2-165342354-A-T. GRCh37 (hg19) VCF-style: chr2-166198864-A-T.
Other names: c.2447A>T (NM_021007.2); c.2447A>T, p.Tyr816Phe (NM_001040143.2, NM_001371246.1, NM_001371247.1 and 1 more transcripts); short protein forms Y816F.
Identifiers: ClinVar variation 1400395 (VCV001400395.17), dbSNP rs2105314804, ClinGen allele CA349012608.
Genomic context (GRCh38, chr2:165,342,354, plus strand): 5'-AGGTCTTCACAGGGATCTTCACAGCAGAAATGTTTCTCAAGATAATTGCCATGGATCCAT[A>T]TTATTACTTTCAAGAAGGCTGGAATATTTTTGATGGTTTTATTGTGAGCCTTAGTTTAAT-3'
Protein context (NP_001035232.1, residues 806-826): MFLKIIAMDP[Tyr816Phe]YYFQEGWNIF